The following is an entry in ClinVar:

NM_001372.4(DNAH9):c.6330C>T (p.Asn2110=)

Gene: DNAH9 (dynein axonemal heavy chain 9; plus strand). Cytogenetic location: 17p12.
Variant type: single nucleotide variant.
Coding change: c.6330C>T on transcript NM_001372.4 (MANE Select); coding-DNA position 6330, C replaced by T.
Protein change: p.Asn2110=; no amino-acid change (asparagine 2110 retained).
Molecular consequence: synonymous variant.
Genome position (GRCh38, 1-based): chr17:11,745,015, C>T. VCF-style: chr17-11745015-C-T. GRCh37 (hg19) VCF-style: chr17-11648332-C-T.
Other names: p.Asn2110=.
Identifiers: ClinVar variation 402777 (VCV000402777.19), dbSNP rs3744578, ClinGen allele CA8396278.

ClinVar aggregate classification (germline): Benign. Review status: criteria provided, multiple submitters, no conflicts (2 of 4 stars). 7 submissions from 7 submitters: Benign (7). Last evaluated 2026-02-04.

Conditions:
Ciliary dyskinesia, primary, 40. Also called: CILIARY DYSKINESIA, PRIMARY, 40, WITH OR WITHOUT SITUS INVERSUS. Identifiers: MedGen C4749028, MONDO:0032664, OMIM 618300.

Allele frequency attached by ClinVar (database versions not stated): ESP Exome Variant Server 0.73589; gnomAD 0.73791 and 0.74413; TOPMed 0.74741; 1000 Genomes Project 30x 0.76827; 1000 Genomes Project 0.77017; gnomAD exomes 0.79190 and 0.79744; ExAC 0.79380.
gnomAD v4.1: 1,269,858 of 1,613,622 alleles (79%); highest among the groups gnomAD compares: East Asian, 92%; 502,233 homozygotes.

Submissions (7):

Labcorp Genetics (formerly Invitae), Labcorp
Classification: Benign. Last evaluated: 2026-02-04. Review status: criteria provided, single submitter. Criteria: Invitae Variant Classification Sherloc (09022015). Collection method: clinical testing. Allele origin: germline.

Blueprint Genetics
Classification: Benign. Last evaluated: 2024-11-28. Review status: criteria provided, single submitter. Criteria: ACMG Guidelines, 2015. Collection method: clinical testing. Allele origin: germline.

Mayo Clinic Laboratories, Mayo Clinic
Classification: Benign. Last evaluated: 2022-04-26. Review status: criteria provided, single submitter. Criteria: ACMG Guidelines, 2015. Collection method: clinical testing. Allele origin: germline. Observed: 192 variant alleles.

Genome-Nilou Lab
Classification: Benign for Ciliary dyskinesia, primary, 40. Last evaluated: 2021-07-30. Review status: criteria provided, single submitter. Criteria: ACMG Guidelines, 2015. Collection method: clinical testing. Allele origin: germline. Affected: no.

GeneDx
Classification: Benign. Last evaluated: 2020-01-24. Review status: criteria provided, single submitter. Criteria: GeneDx Variant Classification Process June 2021. Collection method: clinical testing. Allele origin: germline. Affected: yes.

Laboratory for Molecular Medicine, Mass General Brigham Personalized Medicine
Classification: Benign. Last evaluated: 2016-03-28. Review status: criteria provided, single submitter. Criteria: LMM Criteria. Collection method: clinical testing. Allele origin: germline.
Comment: Variant identified in a genome or exome case(s) and assessed due to predicted null impact of the variant or pathogenic assertions in the literature or databases. Disclaimer: This variant has not undergone full assessment. The following are preliminary notes: Frequency

Breakthrough Genomics
Classification: Benign. Review status: criteria provided, single submitter. Criteria: ACMG Guidelines, 2015. Collection method: not provided. Allele origin: germline. Inheritance: Autosomal recessive inheritance. Affected: yes.